The following is an entry in ClinVar:

ClinVar aggregate classification (germline): Uncertain significance (1 of 4 stars; one submission).

gnomAD v4.1: 2 of 1,611,162 alleles (0.00012%); highest among the groups gnomAD compares: Non-Finnish European, 0.000085%; no homozygotes.

Submission:

Labcorp Genetics (formerly Invitae), Labcorp
Classification: Uncertain significance. Last evaluated: 2022-02-22. Review status: criteria provided, single submitter. Criteria: Invitae Variant Classification Sherloc (09022015). Collection method: clinical testing. Allele origin: germline.
Comment: This variant is not present in population databases (gnomAD no frequency). This sequence change replaces arginine, which is basic and polar, with leucine, which is neutral and non-polar, at codon 288 of the IFT74 protein (p.Arg288Leu). This variant has not been reported in the literature in individuals affected with IFT74-related conditions. In summary, the available evidence is currently insufficient to determine the role of this variant in disease. Therefore, it has been classified as a Variant of Uncertain Significance. Algorithms developed to predict the effect of missense changes on protein structure and function (SIFT, PolyPhen-2, Align-GVGD) all suggest that this variant is likely to be disruptive.

NM_025103.4(IFT74):c.863G>T (p.Arg288Leu)

Gene: IFT74 (intraflagellar transport 74; plus strand). Cytogenetic location: 9p21.2.
Variant type: single nucleotide variant.
Coding change: c.863G>T on transcript NM_025103.4 (MANE Select); coding-DNA position 863, G replaced by T.
Protein change: p.Arg288Leu; replaces arginine 288 with leucine.
Molecular consequence: missense variant.
Genome position (GRCh38, 1-based): chr9:27,016,980, G>T. VCF-style: chr9-27016980-G-T. GRCh37 (hg19) VCF-style: chr9-27016978-G-T.
Other names: c.863G>T, p.Arg288Leu (NM_001099222.3, NM_001099223.3, NM_001099224.3 and 1 more transcripts); short protein forms R288L.
Identifiers: ClinVar variation 1974885 (VCV001974885.3), dbSNP rs761276999, ClinGen allele CA373119604.